The following is an entry in ClinVar:

ClinVar aggregate classification (germline): Uncertain significance. Review status: criteria provided, multiple submitters, no conflicts (2 of 4 stars). 2 submissions from 2 submitters: Uncertain significance (2). Last evaluated 2024-12-13.

Conditions:
Autosomal recessive nonsyndromic hearing loss 77. Identifiers: Orphanet 90636, MedGen C2746083, MONDO:0013119, OMIM 613079.

Allele frequency attached by ClinVar (database versions not stated): gnomAD 0.00003; ExAC 0.00009; 1000 Genomes Project 30x 0.00062; 1000 Genomes Project 0.00080.
gnomAD v4.1: 25 of 1,551,756 alleles (0.0016%); highest among the groups gnomAD compares: South Asian, 0.024%; 1 homozygote.

Submissions (2):

Labcorp Genetics (formerly Invitae), Labcorp
Classification: Uncertain significance. Last evaluated: 2024-12-13. Review status: criteria provided, single submitter. Criteria: Invitae Variant Classification Sherloc (09022015). Collection method: clinical testing. Allele origin: germline.
Comment: This sequence change replaces leucine, which is neutral and non-polar, with phenylalanine, which is neutral and non-polar, at codon 1564 of the LOXHD1 protein (p.Leu1564Phe). This variant is present in population databases (rs573600473, gnomAD 0.02%). This variant has not been reported in the literature in individuals affected with LOXHD1-related conditions. ClinVar contains an entry for this variant (Variation ID: 326839). An algorithm developed to predict the effect of missense changes on protein structure and function (PolyPhen-2) suggests that this variant is likely to be disruptive. In summary, the available evidence is currently insufficient to determine the role of this variant in disease. Therefore, it has been classified as a Variant of Uncertain Significance.

Illumina Laboratory Services, Illumina
Classification: Uncertain significance for Autosomal recessive nonsyndromic hearing loss 77. Last evaluated: 2018-01-13. Review status: criteria provided, single submitter. Criteria: ICSL Variant Classification Criteria 13 December 2019. Collection method: clinical testing. Allele origin: germline.

NM_001384474.1(LOXHD1):c.4690C>T (p.Leu1564Phe)

Gene: LOXHD1 (lipoxygenase homology PLAT domains 1; minus strand). Cytogenetic location: 18q21.1.
Variant type: single nucleotide variant.
Coding change: c.4690C>T on transcript NM_001384474.1 (MANE Select); coding-DNA position 4690, C replaced by T.
Protein change: p.Leu1564Phe; replaces leucine 1564 with phenylalanine.
Molecular consequence: missense variant.
Genome position (GRCh38, 1-based): chr18:46,524,758, G>A on the plus strand (C>T on the coding strand, the complement: LOXHD1 is on the minus strand). VCF-style: chr18-46524758-G-A. GRCh37 (hg19) VCF-style: chr18-44104721-G-A.
Other names: c.1357C>T, p.Leu453Phe (NM_001145472.3); c.1069C>T, p.Leu357Phe (NM_001308013.2); c.4690C>T, p.Leu1564Phe (NM_144612.7); short protein forms L1564F, L357F, L453F.
Identifiers: ClinVar variation 326839 (VCV000326839.6), dbSNP rs573600473, ClinGen allele CA8952310.